The following is an entry in ClinVar:

ClinVar aggregate classification (germline): Uncertain significance (1 of 4 stars; one submission).

Conditions:
Temtamy syndrome (TEMTYS). Also called: MENTAL RETARDATION WITH OR WITHOUT CRANIOFACIAL DYSMORPHISM, OCULAR COLOBOMA, OR ABNORMAL CORPUS CALLOSUM. Identifiers: Orphanet 1777, MedGen C1857512, MONDO:0009033, OMIM 218340.

Allele frequency attached by ClinVar (database versions not stated): gnomAD exomes below 0.00001; ExAC 0.00001; gnomAD 0.00001; TOPMed 0.00001.
gnomAD v4.1: 9 of 1,613,988 alleles (0.00056%); highest among the groups gnomAD compares: East Asian, 0.0022%; no homozygotes.

Submission:

Labcorp Genetics (formerly Invitae), Labcorp
Classification: Uncertain significance for Temtamy syndrome. Last evaluated: 2022-03-23. Review status: criteria provided, single submitter. Criteria: Invitae Variant Classification Sherloc (09022015). Collection method: clinical testing. Allele origin: germline.
Comment: ClinVar contains an entry for this variant (Variation ID: 857547). Algorithms developed to predict the effect of missense changes on protein structure and function (SIFT, PolyPhen-2, Align-GVGD) all suggest that this variant is likely to be disruptive. Algorithms developed to predict the effect of sequence changes on RNA splicing suggest that this variant may create or strengthen a splice site. In summary, the available evidence is currently insufficient to determine the role of this variant in disease. Therefore, it has been classified as a Variant of Uncertain Significance. This variant has not been reported in the literature in individuals affected with C12orf57-related conditions. This sequence change replaces alanine, which is neutral and non-polar, with valine, which is neutral and non-polar, at codon 39 of the C12orf57 protein (p.Ala39Val). This variant is present in population databases (rs782198023, gnomAD 0.02%).

NM_138425.4(C12orf57):c.116C>T (p.Ala39Val)

Gene: C12orf57 (chromosome 12 open reading frame 57; plus strand). Cytogenetic location: 12p13.31.
Variant type: single nucleotide variant.
Coding change: c.116C>T on transcript NM_138425.4 (MANE Select); coding-DNA position 116, C replaced by T.
Protein change: p.Ala39Val; replaces alanine 39 with valine.
Molecular consequence: missense variant. On other transcripts: non-coding transcript variant (1).
Genome position (GRCh38, 1-based): chr12:6,944,539, C>T. VCF-style: chr12-6944539-C-T. GRCh37 (hg19) VCF-style: chr12-7053702-C-T.
Other names: c.116C>T, p.Ala39Val (NM_001301834.1, NM_001301837.2); c.77C>T, p.Ala26Val (NM_001301836.2); c.11C>T, p.Ala4Val (NM_001301838.2); short protein forms A39V, A26V, A4V.
Identifiers: ClinVar variation 857547 (VCV000857547.8), dbSNP rs782198023, ClinGen allele CA6421267.